The following is an entry in ClinVar:

ClinVar aggregate classification (germline): Pathogenic (1 of 4 stars; one submission).

Conditions:
Propionic acidemia (PROP). Also called: GLYCINEMIA, KETOTIC; HYPERGLYCINEMIA WITH KETOACIDOSIS AND LEUKOPENIA; KETOTIC HYPERGLYCINEMIA. Identifiers: Orphanet 35, MedGen C0268579, MONDO:0011628, OMIM 606054, HP:0003571.

Submission:

Myriad Genetics, Inc.
Classification: Pathogenic for Propionic acidemia. Last evaluated: 2025-11-29. Review status: criteria provided, single submitter. Criteria: Myriad Autosomal Dominant, Autosomal Recessive and X-Linked Classification Criteria (2023). Collection method: clinical testing. Allele origin: unknown.
Comment: NM_000282.3(PCCA):c.1554delC(K519Rfs*10) is expected to be pathogenic in the context of PCCA-related propionic acidemia. This variant is predicted to lead to an abnormal or absent protein product due to the creation of a premature termination codon in PCCA, a gene where loss-of-function variants are known to be pathogenic. Please note: this variant was assessed in the context of healthy population screening.

NM_000282.4(PCCA):c.1554del (p.Lys519fs)

Gene: PCCA (propionyl-CoA carboxylase subunit alpha; plus strand). Cytogenetic location: 13q32.3.
Variant type: Deletion.
Coding change: c.1554del on transcript NM_000282.4 (MANE Select); coding-DNA position 1554, one base deleted (C; older notation c.1554delC).
Protein change: p.Lys519fs; shifts the reading frame from lysine 519.
Molecular consequence: frameshift variant. On other transcripts: non-coding transcript variant (5).
Genome position (GRCh38, 1-based): chr13:100,340,170, C deleted; the last of 2 consecutive C bases (chr13:100,340,169-100,340,170); deleting either gives the same sequence. VCF-style (leftmost placement, unchanged base first): chr13-100340168-AC-A. GRCh37 (hg19) VCF-style: chr13-100992422-AC-A.
Other names: c.1476del, p.Lys493fs (NM_001127692.3, NM_001352607.2); c.1554del, p.Lys519fs (NM_001178004.2, NM_001352605.2, NM_001352609.2); c.1410del, p.Lys471fs (NM_001352606.2); c.1332del, p.Lys445fs (NM_001352608.2); c.609del, p.Lys204fs (NM_001352610.2, NM_001352611.2); c.465del, p.Lys156fs (NM_001352612.2); short protein forms K156fs, K204fs, K445fs, K471fs, K493fs, K519fs.
Identifiers: ClinVar variation 5015279 (VCV005015279.1).